The following is an entry in ClinVar:

ClinVar aggregate classification (germline): Conflicting classifications of pathogenicity. Review status: criteria provided, conflicting classifications (1 of 4 stars). 4 submissions from 4 submitters: Uncertain significance (1); Likely benign (3). Last evaluated 2024-12-10.

Conditions:
Cystic fibrosis (CF). Also called: MUCOVISCIDOSIS. Identifiers: Orphanet 586, MedGen C0010674, MONDO:0009061, OMIM 219700. Disease mechanism: loss of function.

Allele frequency attached by ClinVar (database versions not stated): gnomAD 0.00001; gnomAD exomes 0.00001 and 0.00002; TOPMed 0.00002; ExAC 0.00001.
gnomAD v4.1: 10 of 1,612,892 alleles (0.00062%); highest among the groups gnomAD compares: Admixed American, 0.0083%; no homozygotes.

Submissions (4):

Women's Health and Genetics/Laboratory Corporation of America, LabCorp
Classification: Likely benign. Last evaluated: 2024-12-10. Review status: criteria provided, single submitter. Criteria: LabCorp Variant Classification Summary - May 2015. Collection method: clinical testing. Allele origin: germline.
Comment: Variant summary: CFTR c.2526A>G results in a synonymous change. Consensus agreement among computation tools predict no significant impact on normal splicing (TrAP). However, these predictions have yet to be confirmed by functional studies. The variant allele was found at a frequency of 2e-05 in 251340 control chromosomes. The available data on variant occurrences in the general population are insufficient to allow any conclusion about variant significance. To our knowledge, no occurrence of c.2526A>G in individuals affected with Chronic Pancreatitis and no experimental evidence demonstrating its impact on protein function have been reported. ClinVar contains an entry for this variant (Variation ID: 495912). Based on the evidence outlined above, the variant was classified as likely benign.

Labcorp Genetics (formerly Invitae), Labcorp
Classification: Likely benign for Cystic fibrosis. Last evaluated: 2024-07-17. Review status: criteria provided, single submitter. Criteria: Invitae Variant Classification Sherloc (09022015). Collection method: clinical testing. Allele origin: germline.

Ambry Genetics
Classification: Likely benign for Cystic fibrosis. Last evaluated: 2022-07-07. Review status: criteria provided, single submitter. Criteria: Ambry Variant Classification Scheme 2023. Collection method: clinical testing. Allele origin: germline.

Genome-Nilou Lab
Classification: Uncertain significance for Cystic fibrosis. Last evaluated: 2021-07-22. Review status: criteria provided, single submitter. Criteria: ACMG Guidelines, 2015. Collection method: clinical testing. Allele origin: germline. Affected: no.

NM_000492.4(CFTR):c.2526A>G (p.Ala842=)

Gene: CFTR (CF transmembrane conductance regulator; plus strand). Cytogenetic location: 7q31.2.
Variant type: single nucleotide variant.
Coding change: c.2526A>G on transcript NM_000492.4 (MANE Select); coding-DNA position 2526, A replaced by G.
Protein change: p.Ala842=; no amino-acid change (alanine 842 retained).
Molecular consequence: synonymous variant.
Genome position (GRCh38, 1-based): chr7:117,594,965, A>G. VCF-style: chr7-117594965-A-G. GRCh37 (hg19) VCF-style: chr7-117235019-A-G.
Identifiers: ClinVar variation 495912 (VCV000495912.17), dbSNP rs758128209, ClinGen allele CA4451217.